The following is an entry in ClinVar:

NM_031272.5(TEX14):c.2678C>G (p.Pro893Arg)

Gene: TEX14 (testis expressed 14, intercellular bridge forming factor; minus strand). Cytogenetic location: 17q22.
Variant type: single nucleotide variant.
Coding change: c.2678C>G on transcript NM_031272.5 (MANE Select); coding-DNA position 2678, C replaced by G.
Protein change: p.Pro893Arg; replaces proline 893 with arginine.
Molecular consequence: missense variant.
Genome position (GRCh38, 1-based): chr17:58,587,920, G>C on the plus strand (C>G on the coding strand, the complement: TEX14 is on the minus strand). VCF-style: chr17-58587920-G-C. GRCh37 (hg19) VCF-style: chr17-56665281-G-C.
Other names: c.2696C>G, p.Pro899Arg (NM_001201457.2); c.2678C>G, p.Pro893Arg (NM_198393.4); short protein forms P893R, P899R.
Identifiers: ClinVar variation 3731521 (VCV003731521.1).

ClinVar aggregate classification (germline): Uncertain significance (1 of 4 stars; one submission).

Conditions:
Spermatogenic failure 23. Identifiers: MedGen C4540185, MONDO:0054727, OMIM 617707.

Submission:

Neuberg Centre For Genomic Medicine, NCGM
Classification: Uncertain significance for Spermatogenic failure 23. Last evaluated: 2023-06-22. Review status: criteria provided, single submitter. Criteria: ACMG Guidelines, 2015. Collection method: clinical testing. Allele origin: germline. Inheritance: Autosomal recessive inheritance. Affected: yes.
Comment: The missense c.2678C>G(p.Pro893Arg) variant in TEX14 gene has not been reported previously as a pathogenic variant nor as a benign variant, to our knowledge. The p.Pro893Arg variant is absent in gnomAD Exomes. This variant has not been submitted to the ClinVar database. Multiple lines of computational evidences (Polyphen - Benign, SIFT - Tolerated and MutationTaster - Polymorphism) predict no damaging effect on protein structure and function for this variant. The reference amino acid at this position on TEX14 gene is predicted as conserved by GERP++ and PhyloP across 100 vertebrates. The amino acid Pro at position 893 is changed to a Arg changing protein sequence and it might alter its composition and physico-chemical properties. For these reasons, this variant has been classified as a Variant of Uncertain Significance (VUS).